The following is an entry in ClinVar:

ClinVar aggregate classification (germline): Benign/Likely benign. Review status: criteria provided, multiple submitters, no conflicts (2 of 4 stars). 5 submissions from 5 submitters: Benign (2); Likely benign (3). Last evaluated 2026-06-01.

Conditions:
Joubert syndrome 23 (JBTS23). Identifiers: Orphanet 475, MedGen C4084822, MONDO:0014664, OMIM 616490.
Short-rib thoracic dysplasia 14 with polydactyly (SRTD14). Identifiers: Orphanet 397715, MedGen C4225286, MONDO:0014688, OMIM 616546.

Allele frequency attached by ClinVar (database versions not stated): ExAC 0.00192; gnomAD 0.00286 and 0.00313; TOPMed 0.00335; ESP Exome Variant Server 0.00386; 1000 Genomes Project 0.00539; 1000 Genomes Project 30x 0.00562; gnomAD exomes 0.00025 and 0.00084.
gnomAD v4.1: 824 of 1,588,436 alleles (0.052%); highest among the groups gnomAD compares: African/African-American, 0.98%; 8 homozygotes.

Submissions (5):

CeGaT Center for Human Genetics Tuebingen
Classification: Benign. Last evaluated: 2026-06-01. Review status: criteria provided, single submitter. Criteria: CeGaT Center For Human Genetics Tuebingen Variant Classification Criteria Version 2. Collection method: clinical testing. Allele origin: germline. Affected: yes. Observed: 2 variant alleles.
Comment: KIAA0586: BP4, BS1, BS2

Labcorp Genetics (formerly Invitae), Labcorp
Classification: Benign for Joubert syndrome 23; Short-rib thoracic dysplasia 14 with polydactyly. Last evaluated: 2026-01-18. Review status: criteria provided, single submitter. Criteria: Invitae Variant Classification Sherloc (09022015). Collection method: clinical testing. Allele origin: germline.

Blueprint Genetics
Classification: Likely benign. Last evaluated: 2024-08-28. Review status: criteria provided, single submitter. Criteria: ACMG Guidelines, 2015. Collection method: clinical testing. Allele origin: germline.

GeneDx
Classification: Likely benign. Last evaluated: 2024-01-26. Review status: criteria provided, single submitter. Criteria: GeneDx Variant Classification Process June 2021. Collection method: clinical testing. Allele origin: germline. Affected: yes.
Comment: See Variant Classification Assertion Criteria.

Breakthrough Genomics
Classification: Likely benign. Review status: criteria provided, single submitter. Criteria: ACMG Guidelines, 2015. Collection method: not provided. Allele origin: germline. Inheritance: Autosomal recessive inheritance. Affected: yes.

NM_001329943.3(KIAA0586):c.1570T>A (p.Leu524Ile)

Gene: KIAA0586 (KIAA0586; plus strand). Cytogenetic location: 14q23.1.
Variant type: single nucleotide variant.
Coding change: c.1570T>A on transcript NM_001329943.3 (MANE Select); coding-DNA position 1570, T replaced by A.
Protein change: p.Leu524Ile; replaces leucine 524 with isoleucine.
Molecular consequence: missense variant.
Genome position (GRCh38, 1-based): chr14:58,457,966, T>A. VCF-style: chr14-58457966-T-A. GRCh37 (hg19) VCF-style: chr14-58924684-T-A.
Other names: c.1729T>A, p.Leu577Ile (NM_001244189.2); c.1525T>A, p.Leu509Ile (NM_001244190.2); c.1315T>A, p.Leu439Ile (NM_001244191.2, NM_001329945.2, NM_001364700.1 and 1 more transcripts); c.1438T>A, p.Leu480Ile (NM_001244192.2); c.1150T>A, p.Leu384Ile (NM_001244193.2); c.1570T>A, p.Leu524Ile (NM_001329944.2, NM_001329946.2, NM_001329947.2 and 1 more transcripts); short protein forms L577I, L524I, L480I, L439I, L509I, L384I.
Identifiers: ClinVar variation 475441 (VCV000475441.40), dbSNP rs61742715, ClinGen allele CA7205687.